The following is an entry in ClinVar:

NM_016239.4(MYO15A):c.6076G>A (p.Ala2026Thr)

Gene: MYO15A (myosin XVA; plus strand). Cytogenetic location: 17p11.2.
Variant type: single nucleotide variant.
Coding change: c.6076G>A on transcript NM_016239.4 (MANE Select); coding-DNA position 6076, G replaced by A.
Protein change: p.Ala2026Thr; replaces alanine 2026 with threonine.
Molecular consequence: missense variant.
Genome position (GRCh38, 1-based): chr17:18,143,899, G>A. VCF-style: chr17-18143899-G-A. GRCh37 (hg19) VCF-style: chr17-18047213-G-A.
Other names: short protein forms A2026T.
Identifiers: ClinVar variation 2607236 (VCV002607236.3), dbSNP rs772603613, ClinGen allele CA288406390.

ClinVar aggregate classification (germline): Uncertain significance. Review status: criteria provided, multiple submitters, no conflicts (2 of 4 stars). 2 submissions from 2 submitters: Uncertain significance (2). Last evaluated 2023-11-27.

Conditions:
Inborn genetic diseases. Identifiers: MedGen C0950123, MeSH D030342.

Allele frequency attached by ClinVar (database versions not stated): gnomAD 0.00001; gnomAD exomes 0.00001; TOPMed 0.00002.
gnomAD v4.1: 12 of 1,593,586 alleles (0.00075%); highest among the groups gnomAD compares: East Asian, 0.014%; no homozygotes.

Submissions (2):

GeneDx
Classification: Uncertain significance. Last evaluated: 2023-11-27. Review status: criteria provided, single submitter. Criteria: GeneDx Variant Classification Process June 2021. Collection method: clinical testing. Allele origin: germline. Affected: yes.
Comment: In silico analysis supports that this missense variant does not alter protein structure/function; Has not been previously published as pathogenic or benign to our knowledge

Ambry Genetics
Classification: Uncertain significance for Inborn genetic diseases. Last evaluated: 2023-06-29. Review status: criteria provided, single submitter. Criteria: Ambry Variant Classification Scheme 2023. Collection method: clinical testing. Allele origin: germline.